The following is an entry in ClinVar:

NM_001363711.2(DUOX2):c.3601A>G (p.Ile1201Val)

Gene: DUOX2 (dual oxidase 2; minus strand). Cytogenetic location: 15q21.1.
Variant type: single nucleotide variant.
Coding change: c.3601A>G on transcript NM_001363711.2 (MANE Select); coding-DNA position 3601, A replaced by G.
Protein change: p.Ile1201Val; replaces isoleucine 1201 with valine.
Molecular consequence: missense variant.
Genome position (GRCh38, 1-based): chr15:45,097,706, T>C on the plus strand (A>G on the coding strand, the complement: DUOX2 is on the minus strand). VCF-style: chr15-45097706-T-C. GRCh37 (hg19) VCF-style: chr15-45389904-T-C.
Other names: c.3601A>G, p.Ile1201Val (NM_014080.5); short protein forms I1201V.
Identifiers: ClinVar variation 1524667 (VCV001524667.8), dbSNP rs2141142059, ClinGen allele CA392256330.

ClinVar aggregate classification (germline): Uncertain significance (1 of 4 stars; one submission).

Submission:

Labcorp Genetics (formerly Invitae), Labcorp
Classification: Uncertain significance. Last evaluated: 2021-04-09. Review status: criteria provided, single submitter. Criteria: Invitae Variant Classification Sherloc (09022015). Collection method: clinical testing. Allele origin: germline.
Comment: This sequence change replaces isoleucine with valine at codon 1201 of the DUOX2 protein (p.Ile1201Val). The isoleucine residue is moderately conserved and there is a small physicochemical difference between isoleucine and valine. In summary, the available evidence is currently insufficient to determine the role of this variant in disease. Therefore, it has been classified as a Variant of Uncertain Significance. Advanced modeling of protein sequence and biophysical properties (such as structural, functional, and spatial information, amino acid conservation, physicochemical variation, residue mobility, and thermodynamic stability) performed at Invitae indicates that this missense variant is not expected to disrupt DUOX2 protein function. This variant has not been reported in the literature in individuals with DUOX2-related conditions. This variant is not present in population databases (ExAC no frequency).